The following is an entry in ClinVar:

ClinVar aggregate classification (germline): Likely benign (1 of 4 stars; one submission).

Submission:

GeneDx
Classification: Likely benign. Last evaluated: 2020-12-01. Review status: criteria provided, single submitter. Criteria: GeneDx Variant Classification Process June 2021. Collection method: clinical testing. Allele origin: germline. Affected: yes.
Comment: See Variant Classification Assertion Criteria.

NM_001080477.4(TENM3):c.3236-165dup

Gene: TENM3 (teneurin transmembrane protein 3; plus strand). Cytogenetic location: 4q35.1.
Variant type: Duplication.
Coding change: c.3236-165dup on transcript NM_001080477.4 (MANE Select); 165 bases into the intron before coding-DNA position 3236, one base duplicated (A; older notation c.3236-165dupA).
Molecular consequence: intron variant.
Genome position (GRCh38, 1-based): chr4:182,738,236, A duplicated; the last of 9 consecutive A bases (chr4:182,738,228-182,738,236); duplicating any one gives the same sequence. VCF-style (leftmost placement, unchanged base first): chr4-182738227-T-TA. GRCh37 (hg19) VCF-style: chr4-183659380-T-TA.
Identifiers: ClinVar variation 2444663 (VCV002444663.1), dbSNP rs562633396, ClinGen allele CA358837029.